The following is an entry in ClinVar:

NM_020761.3(RPTOR):c.3140+7A>G

Gene: RPTOR (regulatory associated protein of MTOR complex 1; plus strand). Cytogenetic location: 17q25.3.
Variant type: single nucleotide variant.
Coding change: c.3140+7A>G on transcript NM_020761.3 (MANE Select); 7 bases into the intron after coding-DNA position 3140, A replaced by G.
Molecular consequence: intron variant.
Genome position (GRCh38, 1-based): chr17:80,945,788, A>G. VCF-style: chr17-80945788-A-G. GRCh37 (hg19) VCF-style: chr17-78919588-A-G.
Other names: c.2666+7A>G (NM_001163034.2).
Identifiers: ClinVar variation 2648431 (VCV002648431.24), dbSNP rs115433836, ClinGen allele CA8825531.

ClinVar aggregate classification (germline): Likely benign (1 of 4 stars; one submission).

Allele frequency attached by ClinVar (database versions not stated): gnomAD exomes 0.00020; ExAC 0.00066; 1000 Genomes Project 30x 0.00156; 1000 Genomes Project 0.00160; gnomAD 0.00235; TOPMed 0.00238; ESP Exome Variant Server 0.00269.
gnomAD v4.1: 643 of 1,571,632 alleles (0.041%); highest among the groups gnomAD compares: African/African-American, 0.82%; 2 homozygotes.

Submission:

CeGaT Center for Human Genetics Tuebingen
Classification: Likely benign. Last evaluated: 2022-03-01. Review status: criteria provided, single submitter. Criteria: CeGaT Center For Human Genetics Tuebingen Variant Classification Criteria Version 2. Collection method: clinical testing. Allele origin: germline. Affected: yes. Observed: 1 variant allele.
Comment: RPTOR: BP4